The following is an entry in ClinVar:

ClinVar aggregate classification (germline): Uncertain significance (1 of 4 stars; one submission).

gnomAD v4.1: 382 of 1,575,986 alleles (0.024%); highest among the groups gnomAD compares: Non-Finnish European, 0.032%; no homozygotes.

Submission:

Women's Health and Genetics/Laboratory Corporation of America, LabCorp
Classification: Uncertain significance. Last evaluated: 2026-05-18. Review status: criteria provided, single submitter. Criteria: LabCorp Variant Classification Summary - May 2015. Collection method: clinical testing. Allele origin: germline.
Comment: Variant summary: PLA2G7 c.859C>T (p.Gln287X) results in a premature termination codon, predicted to cause a truncation of the encoded protein or absence of the protein due to nonsense mediated decay, however current evidence is not sufficient to establish loss of function as a mechanism for disease. The variant allele was found at a frequency of 0.00018 in 250782 control chromosomes. This frequency is not significantly higher than estimated for disease-causing variants in PLA2G7, allowing no conclusion about variant significance. To our knowledge, no occurrence of c.859C>T in individuals affected with PLA2G7-related conditions and no experimental evidence demonstrating its impact on protein function have been reported. No submitters have cited clinical-significance assessments for this variant to ClinVar. Based on the evidence outlined above, the variant was classified as uncertain significance.

NM_005084.4(PLA2G7):c.859C>T (p.Gln287Ter)

Gene: PLA2G7 (phospholipase A2 group VII; minus strand). Cytogenetic location: 6p12.3.
Variant type: single nucleotide variant.
Coding change: c.859C>T on transcript NM_005084.4 (MANE Select); coding-DNA position 859, C replaced by T.
Protein change: p.Gln287Ter; replaces glutamine 287 with a stop codon.
Molecular consequence: nonsense.
Genome position (GRCh38, 1-based): chr6:46,709,337, G>A on the plus strand (C>T on the coding strand, the complement: PLA2G7 is on the minus strand). VCF-style: chr6-46709337-G-A. GRCh37 (hg19) VCF-style: chr6-46677074-G-A.
Other names: c.859C>T, p.Gln287Ter (NM_001168357.2); short protein forms Q287*.
Identifiers: ClinVar variation 4852985 (VCV004852985.1).